The following is an entry in ClinVar:

NM_001013838.3(CARMIL2):c.4264C>T (p.Pro1422Ser)

Gene: CARMIL2 (capping protein regulator and myosin 1 linker 2; plus strand). Cytogenetic location: 16q22.1.
Variant type: single nucleotide variant.
Coding change: c.4264C>T on transcript NM_001013838.3 (MANE Select); coding-DNA position 4264, C replaced by T.
Protein change: p.Pro1422Ser; replaces proline 1422 with serine.
Molecular consequence: missense variant.
Genome position (GRCh38, 1-based): chr16:67,657,474, C>T. VCF-style: chr16-67657474-C-T. GRCh37 (hg19) VCF-style: chr16-67691377-C-T.
Other names: c.4075C>T, p.Pro1359Ser (NM_001317026.3); c.4123C>T, p.Pro1375Ser (NM_001438244.1); c.4156C>T, p.Pro1386Ser (NM_001438835.1); short protein forms P1359S, P1375S, P1386S, P1422S.
Identifiers: ClinVar variation 4741298 (VCV004741298.1).

ClinVar aggregate classification (germline): Uncertain significance (1 of 4 stars; one submission).

gnomAD v4.1: 30 of 1,612,066 alleles (0.0019%); highest among the groups gnomAD compares: Non-Finnish European, 0.0025%; no homozygotes.

Submission:

Labcorp Genetics (formerly Invitae), Labcorp
Classification: Uncertain significance. Last evaluated: 2025-07-06. Review status: criteria provided, single submitter. Criteria: Invitae Variant Classification Sherloc (09022015). Collection method: clinical testing. Allele origin: germline.
Comment: This sequence change replaces proline, which is neutral and non-polar, with serine, which is neutral and polar, at codon 1422 of the CARMIL2 protein (p.Pro1422Ser). This variant is present in population databases (rs371923602, gnomAD 0.007%). This variant has not been reported in the literature in individuals affected with CARMIL2-related conditions. An algorithm developed to predict the effect of missense changes on protein structure and function outputs the following: PolyPhen-2: "Not Available". The serine amino acid residue is found in multiple mammalian species, which suggests that this missense change does not adversely affect protein function. In summary, the available evidence is currently insufficient to determine the role of this variant in disease. Therefore, it has been classified as a Variant of Uncertain Significance.